The following is an entry in ClinVar:

NM_001389617.1(NAV1):c.2226+4C>T

Genes: IPO9-AS1 (IPO9 antisense RNA 1; minus strand), NAV1 (neuron navigator 1; plus strand). Cytogenetic location: 1q32.1.
Variant type: single nucleotide variant.
Coding change: c.2226+4C>T on transcript NM_001389617.1 (MANE Select); 4 bases into the intron after coding-DNA position 2226, C replaced by T.
Molecular consequence: intron variant.
Genome position (GRCh38, 1-based): chr1:201,780,563, C>T. VCF-style: chr1-201780563-C-T. GRCh37 (hg19) VCF-style: chr1-201749691-C-T.
Other names: c.2226+4C>T (NM_001389615.1, NM_001389616.1); c.1365+4C>T (NM_020443.5); c.192+4C>T (NM_001389611.1, NM_001167738.2, NM_001389612.1 and 2 more transcripts).
Identifiers: ClinVar variation 2639784 (VCV002639784.24), dbSNP rs61753857, ClinGen allele CA1326236.

ClinVar aggregate classification (germline): Likely benign (1 of 4 stars; one submission).

Allele frequency attached by ClinVar (database versions not stated): 1000 Genomes Project 30x 0.00187; 1000 Genomes Project 0.00200; ExAC 0.00365; gnomAD 0.00377; TOPMed 0.00408; ESP Exome Variant Server 0.00569; gnomAD exomes 0.00588.
gnomAD v4.1: 9,175 of 1,614,134 alleles (0.57%); highest among the groups gnomAD compares: Non-Finnish European, 0.69%; 28 homozygotes.

Submission:

CeGaT Center for Human Genetics Tuebingen
Classification: Likely benign. Last evaluated: 2023-07-01. Review status: criteria provided, single submitter. Criteria: CeGaT Center For Human Genetics Tuebingen Variant Classification Criteria Version 2. Collection method: clinical testing. Allele origin: germline. Affected: yes. Observed: 1 variant allele.
Comment: NAV1: BP4, BS2